The following is an entry in ClinVar:

NM_000256.3(MYBPC3):c.526_527delinsAG (p.Ala176Ser)

Gene: MYBPC3 (myosin binding protein C3; minus strand). Cytogenetic location: 11p11.2.
Variant type: Indel.
Coding change: c.526_527delinsAG on transcript NM_000256.3 (MANE Select); coding-DNA positions 526 to 527, GC replaced by AG.
Protein change: p.Ala176Ser; replaces alanine 176 with serine.
Molecular consequence: missense variant.
Genome position (GRCh38, 1-based): chr11:47,349,901-47,349,902, GC replaced by CT on the plus strand (GC replaced by AG on the coding strand, the reverse complement: MYBPC3 is on the minus strand). VCF-style: chr11-47349901-GC-CT. GRCh37 (hg19) VCF-style: chr11-47371452-GC-CT.
Other names: short protein forms A176S.
Identifiers: ClinVar variation 1389602 (VCV001389602.7), dbSNP rs2142867837, ClinGen allele CA2573147273.

ClinVar aggregate classification (germline): Uncertain significance. Review status: criteria provided, multiple submitters, no conflicts (2 of 4 stars). 2 submissions from 2 submitters: Uncertain significance (2). Last evaluated 2026-09-21.

Conditions:
Cardiovascular phenotype. Identifiers: MedGen CN230736.
Hypertrophic cardiomyopathy. Also called: HYPERTROPHIC MYOCARDIOPATHY. Identifiers: Orphanet 217569, MedGen C0007194, MeSH D002312, MONDO:0005045, HP:0001639.

Submissions (2):

Molecular Diagnostic Laboratory for Inherited Cardiovascular Disease, Montreal Heart Institute
Classification: Uncertain significance for Cardiovascular phenotype. Last evaluated: 2026-09-21. Review status: criteria provided, single submitter. Criteria: ACMG Guidelines, 2015. Collection method: clinical testing. Allele origin: germline. Affected: yes.
Comment: PM2

Labcorp Genetics (formerly Invitae), Labcorp
Classification: Uncertain significance for Hypertrophic cardiomyopathy. Last evaluated: 2021-04-22. Review status: criteria provided, single submitter. Criteria: Invitae Variant Classification Sherloc (09022015). Collection method: clinical testing. Allele origin: germline.
Comment: In summary, the available evidence is currently insufficient to determine the role of this variant in disease. Therefore, it has been classified as a Variant of Uncertain Significance. Algorithms developed to predict the effect of missense changes on protein structure and function are either unavailable or do not agree on the potential impact of this missense change (SIFT: "Not Available"; PolyPhen-2: "Probably Damaging"; Align-GVGD: "Not Available"). This variant has not been reported in the literature in individuals with MYBPC3-related conditions. The frequency data for this variant in the population databases is not available, as this variant may be reported as separate entries in the ExAC database. This sequence change replaces alanine with serine at codon 176 of the MYBPC3 protein (p.Ala176Ser). The alanine residue is highly conserved and there is a moderate physicochemical difference between alanine and serine.